The following is an entry in ClinVar:

ClinVar aggregate classification (germline): Likely benign (0 of 4 stars; one submission).

Conditions:
SPTBN1-related disorder. Also called: SPTBN1-related condition.

gnomAD v4.1: 97 of 1,613,674 alleles (0.006%); highest among the groups gnomAD compares: African/African-American, 0.1%; 1 homozygote.

Submission:

PreventionGenetics, part of Exact Sciences
Classification: Likely benign for SPTBN1-related condition. Last evaluated: 2024-05-28. Review status: no assertion criteria provided. Collection method: clinical testing. Allele origin: germline.
Comment: This variant is classified as likely benign based on ACMG/AMP sequence variant interpretation guidelines (Richards et al. 2015 PMID: 25741868, with internal and published modifications).

NM_003128.3(SPTBN1):c.1969A>G (p.Lys657Glu)

Gene: SPTBN1 (spectrin beta, non-erythrocytic 1; plus strand). Cytogenetic location: 2p16.2.
Variant type: single nucleotide variant.
Coding change: c.1969A>G on transcript NM_003128.3 (MANE Select); coding-DNA position 1969, A replaced by G.
Protein change: p.Lys657Glu; replaces lysine 657 with glutamic acid.
Molecular consequence: missense variant.
Genome position (GRCh38, 1-based): chr2:54,629,103, A>G. VCF-style: chr2-54629103-A-G. GRCh37 (hg19) VCF-style: chr2-54856240-A-G.
Other names: c.1930A>G, p.Lys644Glu (NM_178313.3); short protein forms K644E, K657E.
Identifiers: ClinVar variation 3352449 (VCV003352449.1).
Genomic context (GRCh38, chr2:54,629,103, plus strand): 5'-TCCCGCCGCCTCTGGAAGTTCTTCTGGGAGATGGCAGAAGAGGAAGGCTGGATACGGGAG[A>G]AGGAGAAGATCCTGTCCTCGGACGATTACGGGAAAGACCTGACCAGCGTCATGCGCCTGC-3'
Protein context (NP_003119.2, residues 647-667): MAEEEGWIRE[Lys657Glu]EKILSSDDYG